The following is an entry in ClinVar:

NM_153717.3(EVC):c.2927C>T (p.Ala976Val)

Gene: EVC (EvC ciliary complex subunit 1; plus strand). Cytogenetic location: 4p16.2.
Variant type: single nucleotide variant.
Coding change: c.2927C>T on transcript NM_153717.3 (MANE Select); coding-DNA position 2927, C replaced by T.
Protein change: p.Ala976Val; replaces alanine 976 with valine.
Molecular consequence: missense variant.
Genome position (GRCh38, 1-based): chr4:5,810,985, C>T. VCF-style: chr4-5810985-C-T. GRCh37 (hg19) VCF-style: chr4-5812712-C-T.
Other names: c.2924C>T, p.Ala975Val (NM_001306090.2); short protein forms A975V, A976V.
Identifiers: ClinVar variation 2048338 (VCV002048338.1), dbSNP rs1716832971, ClinGen allele CA356153404.
Genomic context (GRCh38, chr4:5,810,985, plus strand): 5'-ACTGGCTGCCTTTCTTCTCTGTTTTAAGCAGCAAAAGGCTGAGTCAGCAAGAAAGTGAAG[C>T]TGGGGACAGTGGGAACTCAAAGAAGATGCTAAAGAGAAGAAGCAACTTGTAGTTTAAGAC-3'
Protein context (NP_714928.1, residues 966-986): SKRLSQQESE[Ala976Val]GDSGNSKKML

ClinVar aggregate classification (germline): Uncertain significance (1 of 4 stars; one submission).

Conditions:
Ellis-van Creveld syndrome (EVC). Also called: MESOECTODERMAL DYSPLASIA; EVC-Related Ellis-van Creveld Syndrome; EVC2-Related Ellis-van Creveld Syndrome; Chondroectodermal dysplasia. Identifiers: Orphanet 289, MedGen C0013903, MONDO:0009162, OMIM 225500.
Curry-Hall syndrome (WAD). Also called: WEYERS ACRODENTAL DYSOSTOSIS. Identifiers: Orphanet 952, MedGen C0457013, MONDO:0008673, OMIM 193530.

Allele frequency attached by ClinVar (database versions not stated): TOPMed 0.00001.

Submission:

Labcorp Genetics (formerly Invitae), Labcorp
Classification: Uncertain significance for Curry-Hall syndrome; Ellis-van Creveld syndrome. Last evaluated: 2021-12-19. Review status: criteria provided, single submitter. Criteria: Invitae Variant Classification Sherloc (09022015). Collection method: clinical testing. Allele origin: germline.
Comment: This sequence change replaces alanine, which is neutral and non-polar, with valine, which is neutral and non-polar, at codon 976 of the EVC protein (p.Ala976Val). This variant is not present in population databases (gnomAD no frequency). This variant has not been reported in the literature in individuals affected with EVC-related conditions. Algorithms developed to predict the effect of missense changes on protein structure and function output the following: SIFT: "Tolerated"; PolyPhen-2: "Benign"; Align-GVGD: "Class C0". The valine amino acid residue is found in multiple mammalian species, which suggests that this missense change does not adversely affect protein function. In summary, the available evidence is currently insufficient to determine the role of this variant in disease. Therefore, it has been classified as a Variant of Uncertain Significance.